The following is an entry in ClinVar:

ClinVar aggregate classification (germline): Conflicting classifications of pathogenicity. Review status: criteria provided, conflicting classifications (1 of 4 stars). 2 submissions from 2 submitters: Uncertain significance (1); Likely benign (1). Last evaluated 2025-01-27.

Allele frequency attached by ClinVar (database versions not stated): ExAC 0.00089.

Submissions (2):

Ambry Genetics
Classification: Uncertain significance. Last evaluated: 2025-01-27. Review status: criteria provided, single submitter. Criteria: Ambry Variant Classification Scheme 2023. Collection method: clinical testing. Allele origin: germline.

CeGaT Center for Human Genetics Tuebingen
Classification: Likely benign. Last evaluated: 2022-12-01. Review status: criteria provided, single submitter. Criteria: CeGaT Center For Human Genetics Tuebingen Variant Classification Criteria Version 2. Collection method: clinical testing. Allele origin: germline. Affected: yes. Observed: 1 variant allele.
Comment: ENSG00000276348: BS2; SPATA31A3: BP4, BS2

NM_001083124.1(SPATA31A3):c.3171T>A (p.His1057Gln)

Gene: SPATA31A3 (SPATA31 subfamily A member 3; minus strand). Cytogenetic location: 9q21.11.
Variant type: single nucleotide variant.
Coding change: c.3171T>A on transcript NM_001083124.1 (MANE Select); coding-DNA position 3171, T replaced by A.
Protein change: p.His1057Gln; replaces histidine 1057 with glutamine.
Molecular consequence: missense variant.
Genome position (GRCh38, 1-based): chr9:66,987,327, A>T on the plus strand (T>A on the coding strand, the complement: SPATA31A3 is on the minus strand). VCF-style: chr9-66987327-A-T. GRCh37 (hg19) VCF-style: chr9-40705514-T-A.
Other names: short protein forms H1057Q.
Identifiers: ClinVar variation 2659210 (VCV002659210.24), dbSNP rs768974881, ClinGen allele CA5066162.